The following is an entry in ClinVar:

ClinVar aggregate classification (germline): Pathogenic/Likely pathogenic. Review status: criteria provided, multiple submitters, no conflicts (2 of 4 stars). 2 submissions from 2 submitters: Pathogenic (1); Likely pathogenic (1). Last evaluated 2024-01-24.

Conditions:
Primary ciliary dyskinesia 18. Also called: CILIARY DYSKINESIA, PRIMARY, 18, WITH OR WITHOUT SITUS INVERSUS. Identifiers: Orphanet 244, MedGen C3543825, MONDO:0013940, OMIM 614874.
Primary ciliary dyskinesia. Also called: Ciliary dyskinesia. Identifiers: Orphanet 244, MedGen C0008780, MONDO:0016575, HP:0012265.

Submissions (2):

Labcorp Genetics (formerly Invitae), Labcorp
Classification: Pathogenic for Primary ciliary dyskinesia. Last evaluated: 2024-01-24. Review status: criteria provided, single submitter. Criteria: Invitae Variant Classification Sherloc (09022015). Collection method: clinical testing. Allele origin: germline.
Comment: This sequence change creates a premature translational stop signal (p.Met703Thrfs*46) in the DNAAF5 gene. It is expected to result in an absent or disrupted protein product. Loss-of-function variants in DNAAF5 are known to be pathogenic (PMID: 24307375, 25232951). This variant is not present in population databases (gnomAD no frequency). This variant has not been reported in the literature in individuals affected with DNAAF5-related conditions. ClinVar contains an entry for this variant (Variation ID: 454858). For these reasons, this variant has been classified as Pathogenic.

Fulgent Genetics
Classification: Likely pathogenic for Primary ciliary dyskinesia 18. Last evaluated: 2022-03-03. Review status: criteria provided, single submitter. Criteria: ACMG Guidelines, 2015. Collection method: clinical testing. Allele origin: unknown.

Literature cited by the submitters: PubMed 24307375 (cited by Labcorp Genetics (formerly Invitae), Labcorp); PubMed 25232951 (cited by Labcorp Genetics (formerly Invitae), Labcorp).

NM_017802.4(DNAAF5):c.2108_2114delinsCCACCCTGGGT (p.Met703fs)

Gene: DNAAF5 (dynein axonemal assembly factor 5; plus strand). Cytogenetic location: 7p22.3.
Variant type: Indel.
Coding change: c.2108_2114delinsCCACCCTGGGT on transcript NM_017802.4 (MANE Select); coding-DNA positions 2108 to 2114, TGCCCCA replaced by CCACCCTGGGT.
Protein change: p.Met703fs; shifts the reading frame from methionine 703.
Molecular consequence: frameshift variant. On other transcripts: non-coding transcript variant (1).
Genome position (GRCh38, 1-based): chr7:775,031-775,037, TGCCCCA replaced by CCACCCTGGGT. VCF-style: chr7-775031-TGCCCCA-CCACCCTGGGT. GRCh37 (hg19) VCF-style: chr7-814668-TGCCCCA-CCACCCTGGGT.
Other names: short protein forms M703fs.
Identifiers: ClinVar variation 454858 (VCV000454858.6), dbSNP rs1554255966, ClinGen allele CA658657641.